The following is an entry in ClinVar:

ClinVar aggregate classification (germline): Conflicting classifications of pathogenicity. Review status: criteria provided, conflicting classifications (1 of 4 stars). 6 submissions from 5 submitters: Uncertain significance (1); Benign (1); Likely benign (3). 1 of the submissions does not count toward it. Last evaluated 2025-05-19.

Conditions:
Autosomal dominant nonsyndromic hearing loss 17. Also called: Deafness, autosomal dominant 17; Autosomal dominant nonsyndromic deafness 17. Identifiers: Orphanet 90635, MedGen C1863659, MONDO:0011350, OMIM 603622.
MYH9-related disorder. Identifiers: MedGen C1854520.

Allele frequency attached by ClinVar (database versions not stated): TOPMed 0.00004; gnomAD 0.00006 and 0.00007; ESP Exome Variant Server 0.00008; 1000 Genomes Project 30x 0.00016; 1000 Genomes Project 0.00020.
gnomAD v4.1: 44 of 1,612,322 alleles (0.0027%); highest among the groups gnomAD compares: Middle Eastern, 0.05%; no homozygotes.

Submissions (6):

Labcorp Genetics (formerly Invitae), Labcorp
Classification: Likely benign. Last evaluated: 2025-05-19. Review status: criteria provided, single submitter. Criteria: Invitae Variant Classification Sherloc (09022015). Collection method: clinical testing. Allele origin: germline.

CeGaT Center for Human Genetics Tuebingen
Classification: Likely benign. Last evaluated: 2023-07-01. Review status: criteria provided, single submitter. Criteria: CeGaT Center For Human Genetics Tuebingen Variant Classification Criteria Version 2. Collection method: clinical testing. Allele origin: germline. Affected: yes. Observed: 1 variant allele.
Comment: MYH9: BP4, BP7

Genetic Services Laboratory, University of Chicago
Classification: Likely benign. Last evaluated: 2020-07-09. Review status: criteria provided, single submitter. Criteria: ACMG Guidelines, 2015. Collection method: clinical testing. Allele origin: germline. Affected: no.

Illumina Laboratory Services, Illumina
Classification: Benign for MYH9-related disorder. Last evaluated: 2018-01-13. Review status: criteria provided, single submitter. Criteria: ICSL Variant Classification Criteria 13 December 2019. Collection method: clinical testing. Allele origin: germline.
Comment: This variant was observed in the ICSL laboratory as part of a predisposition screen in an ostensibly healthy population. It had not been previously curated by ICSL or reported in the Human Gene Mutation Database (HGMD: prior to June 1st, 2018), and was therefore a candidate for classification through an automated scoring system. Utilizing variant allele frequency, disease prevalence and penetrance estimates, and inheritance mode, an automated score was calculated to assess if this variant is too frequent to cause the disease. Based on the score and internal cut-off values, a variant classified as benign is not then subjected to further curation. The score for this variant resulted in a classification of benign for this disease.

Illumina Laboratory Services, Illumina
Classification: Uncertain significance for Autosomal dominant nonsyndromic hearing loss 17. Last evaluated: 2018-01-13. Review status: criteria provided, single submitter. Criteria: ICSL Variant Classification Criteria 13 December 2019. Collection method: clinical testing. Allele origin: germline.

PreventionGenetics, part of Exact Sciences
Classification: Likely benign for MYH9-related condition. Last evaluated: 2022-12-19. Review status: no assertion criteria provided. Collection method: clinical testing. Allele origin: germline. Not counted in ClinVar's aggregate classification.
Comment: This variant is classified as likely benign based on ACMG/AMP sequence variant interpretation guidelines (Richards et al. 2015 PMID: 25741868, with internal and published modifications).

NM_002473.6(MYH9):c.5787C>T (p.Val1929=)

Gene: MYH9 (myosin heavy chain 9; minus strand). Cytogenetic location: 22q12.3.
Variant type: single nucleotide variant.
Coding change: c.5787C>T on transcript NM_002473.6 (MANE Select); coding-DNA position 5787, C replaced by T.
Protein change: p.Val1929=; no amino-acid change (valine 1929 retained).
Molecular consequence: synonymous variant.
Genome position (GRCh38, 1-based): chr22:36,282,764, G>A on the plus strand (C>T on the coding strand, the complement: MYH9 is on the minus strand). VCF-style: chr22-36282764-G-A. GRCh37 (hg19) VCF-style: chr22-36678810-G-A.
Identifiers: ClinVar variation 903289 (VCV000903289.37), dbSNP rs367698156, ClinGen allele CA10208904.